The following is an entry in ClinVar:

NM_001039763.4(TMEM232):c.177A>G (p.Gln59=)

Gene: TMEM232 (transmembrane protein 232; minus strand). Cytogenetic location: 5q22.1.
Variant type: single nucleotide variant.
Coding change: c.177A>G on transcript NM_001039763.4 (MANE Select); coding-DNA position 177, A replaced by G.
Protein change: p.Gln59=; no amino-acid change (glutamine 59 retained).
Molecular consequence: synonymous variant.
Genome position (GRCh38, 1-based): chr5:110,642,320, T>C on the plus strand (A>G on the coding strand, the complement: TMEM232 is on the minus strand). VCF-style: chr5-110642320-T-C. GRCh37 (hg19) VCF-style: chr5-109978021-T-C.
Identifiers: ClinVar variation 2655629 (VCV002655629.24), dbSNP rs192437302, ClinGen allele CA3364426.

ClinVar aggregate classification (germline): Likely benign (1 of 4 stars; one submission).

Allele frequency attached by ClinVar (database versions not stated): ExAC 0.00010; 1000 Genomes Project 0.00040; 1000 Genomes Project 30x 0.00062.
gnomAD v4.1: 101 of 1,540,052 alleles (0.0066%); highest among the groups gnomAD compares: East Asian, 0.087%; 2 homozygotes.

Submission:

CeGaT Center for Human Genetics Tuebingen
Classification: Likely benign. Last evaluated: 2023-03-01. Review status: criteria provided, single submitter. Criteria: CeGaT Center For Human Genetics Tuebingen Variant Classification Criteria Version 2. Collection method: clinical testing. Allele origin: germline. Affected: yes. Observed: 1 variant allele.
Comment: TMEM232: BP4, BP7